The following is an entry in ClinVar:

ClinVar aggregate classification (germline): Uncertain significance (1 of 4 stars; one submission).

Submission:

Ambry Genetics
Classification: Uncertain significance. Last evaluated: 2021-08-21. Review status: criteria provided, single submitter. Criteria: Ambry Variant Classification Scheme 2023. Collection method: clinical testing. Allele origin: germline.
Comment: The p.S254F variant (also known as c.761C>T), located in coding exon 6 of the POLQ gene, results from a C to T substitution at nucleotide position 761. The serine at codon 254 is replaced by phenylalanine, an amino acid with highly dissimilar properties. This amino acid position is conserved. In addition, this alteration is predicted to be tolerated by in silico analysis. Since supporting evidence is limited at this time, the clinical significance of this alteration remains unclear.

NM_199420.4(POLQ):c.761C>T (p.Ser254Phe)

Gene: POLQ (DNA polymerase theta; minus strand). Cytogenetic location: 3q13.33.
Variant type: single nucleotide variant.
Coding change: c.761C>T on transcript NM_199420.4 (MANE Select); coding-DNA position 761, C replaced by T.
Protein change: p.Ser254Phe; replaces serine 254 with phenylalanine.
Molecular consequence: missense variant.
Genome position (GRCh38, 1-based): chr3:121,533,189, G>A on the plus strand (C>T on the coding strand, the complement: POLQ is on the minus strand). VCF-style: chr3-121533189-G-A. GRCh37 (hg19) VCF-style: chr3-121252036-G-A.
Other names: short protein forms S254F.
Identifiers: ClinVar variation 1759836 (VCV001759836.2), dbSNP rs141446107, ClinGen allele CA354126781.